The following is an entry in ClinVar:

ClinVar aggregate classification (germline): Likely benign. Review status: criteria provided, multiple submitters, no conflicts (2 of 4 stars). 2 submissions from 2 submitters: Likely benign (2). Last evaluated 2024-12-03.

Conditions:
Gorlin syndrome. Also called: Nevoid Basal Cell Carcinoma Syndrome; Basal cell nevus syndrome. Identifiers: Orphanet 377, MedGen C0004779, MONDO:0007187.
PTCH2-related disorder. Also called: PTCH2-related condition; PTCH2-related disease.

Allele frequency attached by ClinVar (database versions not stated): ESP Exome Variant Server 0.00008.

Submissions (2):

PreventionGenetics, part of Exact Sciences
Classification: Likely benign for PTCH2-related condition. Last evaluated: 2024-12-03. Review status: criteria provided, single submitter. Criteria: ACMG Guidelines, 2015. Collection method: clinical testing. Allele origin: germline.
Comment: This variant is classified as likely benign based on ACMG/AMP sequence variant interpretation guidelines (Richards et al. 2015 PMID: 25741868, with internal and published modifications).

Labcorp Genetics (formerly Invitae), Labcorp
Classification: Likely benign for Gorlin syndrome. Last evaluated: 2023-12-09. Review status: criteria provided, single submitter. Criteria: Invitae Variant Classification Sherloc (09022015). Collection method: clinical testing. Allele origin: germline.

NM_003738.5(PTCH2):c.3504C>G (p.Pro1168=)

Gene: PTCH2 (patched 2; minus strand). Cytogenetic location: 1p34.1.
Variant type: single nucleotide variant.
Coding change: c.3504C>G on transcript NM_003738.5 (MANE Select); coding-DNA position 3504, C replaced by G.
Protein change: p.Pro1168=; no amino-acid change (proline 1168 retained).
Molecular consequence: synonymous variant. On other transcripts: intron variant (1).
Genome position (GRCh38, 1-based): chr1:44,822,523, G>C on the plus strand (C>G on the coding strand, the complement: PTCH2 is on the minus strand). VCF-style: chr1-44822523-G-C. GRCh37 (hg19) VCF-style: chr1-45288195-G-C.
Other names: c.3425+79C>G (NM_001166292.2); c.3504C>G (NM_003738.4).
Identifiers: ClinVar variation 1153142 (VCV001153142.10), dbSNP rs372865581, ClinGen allele CA822666.